The following is an entry in ClinVar:

NM_001037333.3(CYFIP2):c.433dup (p.His145fs)

Gene: CYFIP2 (cytoplasmic FMR1 interacting protein 2; plus strand). Cytogenetic location: 5q33.3.
Variant type: Duplication.
Coding change: c.433dup on transcript NM_001037333.3 (MANE Select); coding-DNA position 433, one base duplicated (C; older notation c.433dupC).
Protein change: p.His145fs; shifts the reading frame from histidine 145.
Molecular consequence: frameshift variant.
Genome position (GRCh38, 1-based): chr5:157,300,760, C duplicated; the last of 2 consecutive C bases (chr5:157,300,759-157,300,760); duplicating either gives the same sequence. VCF-style (leftmost placement, unchanged base first): chr5-157300758-G-GC. GRCh37 (hg19) VCF-style: chr5-156727766-G-GC.
Other names: c.355dup, p.His119fs (NM_001291721.2); c.433dup, p.His145fs (NM_001291722.2, NM_014376.4); short protein forms H119fs, H145fs.
Identifiers: ClinVar variation 5018252 (VCV005018252.1).

ClinVar aggregate classification (germline): Uncertain significance (1 of 4 stars; one submission).

Submission:

GeneDx
Classification: Uncertain significance. Last evaluated: 2026-04-05. Review status: criteria provided, single submitter. Criteria: GeneDx Variant Classification Process June 2021. Collection method: clinical testing. Allele origin: germline.
Comment: Not observed at significant frequency in large population cohorts (gnomAD); Has not been previously published as pathogenic or benign to our knowledge; Frameshift variant predicted to result in protein truncation or nonsense mediated decay in a gene for which loss of function is not a known mechanism of disease